The following is an entry in ClinVar:

NM_001174150.2(ARL13B):c.798+247A>G

Gene: ARL13B (ARF like GTPase 13B; plus strand). Cytogenetic location: 3q11.2.
Variant type: single nucleotide variant.
Coding change: c.798+247A>G on transcript NM_001174150.2 (MANE Select); 247 bases into the intron after coding-DNA position 798, A replaced by G.
Molecular consequence: intron variant.
Genome position (GRCh38, 1-based): chr3:94,040,235, A>G. VCF-style: chr3-94040235-A-G. GRCh37 (hg19) VCF-style: chr3-93759079-A-G.
Other names: c.753+247A>G (NM_001321328.2); c.798+247A>G (NM_182896.3); c.489+247A>G (NM_001174151.2); c.477+247A>G (NM_144996.4).
Identifiers: ClinVar variation 670458 (VCV000670458.1), dbSNP rs9837294, ClinGen allele CA78535769.
Genomic context (GRCh38, chr3:94,040,235, plus strand): 5'-TTGAATCTAGTGTGAAAGGGGGAATATGACTTCAGAATTAAATGACAATAAATAAATTTG[A>G]CTGTAGCAATTATTATAGTTGCTGTGTTGACAAATCTATTCTGTCATTTATTTCATATAG-3'

ClinVar aggregate classification (germline): Benign (1 of 4 stars; one submission).

Allele frequency attached by ClinVar (database versions not stated): gnomAD 0.10852 and 0.10691; TOPMed 0.11365; 1000 Genomes Project 0.11542; 1000 Genomes Project 30x 0.11555.
gnomAD v4.1: 16,361 of 152,170 alleles (11%); highest among the groups gnomAD compares: Middle Eastern, 15%; 940 homozygotes.

Submission:

GeneDx
Classification: Benign. Last evaluated: 2018-06-16. Review status: criteria provided, single submitter. Criteria: GeneDx Variant Classification (06012015). Collection method: clinical testing. Allele origin: germline. Affected: yes.
Comment: This variant is considered likely benign or benign based on one or more of the following criteria: it is a conservative change, it occurs at a poorly conserved position in the protein, it is predicted to be benign by multiple in silico algorithms, and/or has population frequency not consistent with disease.